The following is an entry in ClinVar:

NM_012096.3(APPL1):c.1926A>G (p.Ile642Met)

Genes: APPL1 (adaptor protein, phosphotyrosine interacting with PH domain and leucine zipper 1; plus strand), ASB14 (ankyrin repeat and SOCS box containing 14; minus strand). Cytogenetic location: 3p14.3.
Variant type: single nucleotide variant.
Coding change: c.1926A>G on transcript NM_012096.3 (MANE Select); coding-DNA position 1926, A replaced by G.
Protein change: p.Ile642Met; replaces isoleucine 642 with methionine.
Molecular consequence: missense variant. On other transcripts: 3 prime UTR variant (2).
Genome position (GRCh38, 1-based): chr3:57,268,430, A>G. VCF-style: chr3-57268430-A-G. GRCh37 (hg19) VCF-style: chr3-57302458-A-G.
Other names: c.*1211T>C (NM_001142733.3, NM_130387.5); short protein forms I642M.
Identifiers: ClinVar variation 1678586 (VCV001678586.7), dbSNP rs183787750, ClinGen allele CA2463989.
Genomic context (GRCh38, chr3:57,268,430, plus strand): 5'-TCATTAGTTTTATTCATCTGTTCTTTAGGATCGTAGGGCATCAGAAAAACAAAAAGAAAT[A>G]GAGAGAGTAAAAGAGAAGCAACAGAAAGAACTCAATAAACAAAAACAGATTGAAAAGGTA-3'
Protein context (NP_036228.1, residues 632-652): DRRASEKQKE[Ile642Met]ERVKEKQQKE

ClinVar aggregate classification (germline): Likely benign. Review status: criteria provided, multiple submitters, no conflicts (2 of 4 stars). 2 submissions from 2 submitters: Likely benign (2). Last evaluated 2024-05-17.

Conditions:
Maturity-onset diabetes of the young type 14. Also called: MODY 14. Identifiers: Orphanet 552, MedGen C4225299, MONDO:0014674, OMIM 616511.

Allele frequency attached by ClinVar (database versions not stated): gnomAD 0.00006 and 0.00014; TOPMed 0.00015; gnomAD exomes 0.00017 and 0.00029; ExAC 0.00027; 1000 Genomes Project 0.00120.
gnomAD v4.1: 269 of 1,599,820 alleles (0.017%); highest among the groups gnomAD compares: East Asian, 0.59%; 1 homozygote.

Submissions (2):

Labcorp Genetics (formerly Invitae), Labcorp
Classification: Likely benign. Last evaluated: 2024-05-17. Review status: criteria provided, single submitter. Criteria: Invitae Variant Classification Sherloc (09022015). Collection method: clinical testing. Allele origin: germline.

Molecular Genetics, Royal Melbourne Hospital
Classification: Likely benign for Maturity-onset diabetes of the young type 14. Last evaluated: 2021-02-26. Review status: criteria provided, single submitter. Criteria: ACMG Guidelines, 2015. Collection method: clinical testing. Allele origin: germline. Affected: yes.
Comment: This sequence change is predicted to replace isoleucine with methionine at codon 642 of the APPL1 protein (p.(Ile642Met)). The isoleucine residue is weakly conserved (100 vertebrates, UCSC), and is a small physicochemical difference between isoleucine and methionine. The variant is present in the East Asian population at a frequency of 0.4% (rs183787750, 72/18,994 alleles in gnomAD v2.1), and has not been reported in the relevant medical literature or databases. Multiple lines of computational evidence predict a benign effect for the missense substitution (6/6 algorithms). Based on the classification scheme RMH Modified ACMG Guidelines v1.3.1, this variant is classified as Likely benign. Following criteria are met: BS1, BP4.